The following is an entry in ClinVar:

NM_000417.3(IL2RA):c.83C>T (p.Pro28Leu)

Gene: IL2RA (interleukin 2 receptor subunit alpha; minus strand). Cytogenetic location: 10p15.1.
Variant type: single nucleotide variant.
Coding change: c.83C>T on transcript NM_000417.3 (MANE Select); coding-DNA position 83, C replaced by T.
Protein change: p.Pro28Leu; replaces proline 28 with leucine.
Molecular consequence: missense variant.
Genome position (GRCh38, 1-based): chr10:6,026,007, G>A on the plus strand (C>T on the coding strand, the complement: IL2RA is on the minus strand). VCF-style: chr10-6026007-G-A. GRCh37 (hg19) VCF-style: chr10-6067970-G-A.
Other names: c.83C>T, p.Pro28Leu (NM_001308242.2, NM_001308243.2); short protein forms P28L.
Identifiers: ClinVar variation 2975409 (VCV002975409.2), dbSNP rs1054397968, ClinGen allele CA202296684.

ClinVar aggregate classification (germline): Uncertain significance. Review status: criteria provided, multiple submitters, no conflicts (2 of 4 stars). 2 submissions from 2 submitters: Uncertain significance (2). Last evaluated 2024-06-28.

Conditions:
Immunodeficiency due to CD25 deficiency. Also called: IMMUNODEFICIENCY 41 WITH LYMPHOPROLIFERATION AND AUTOIMMUNITY; CD25 DEFICIENCY; IL2RA DEFICIENCY. Identifiers: Orphanet 169100, MedGen C1853392, MONDO:0011664, OMIM 606367.

Allele frequency attached by ClinVar (database versions not stated): TOPMed below 0.00001; gnomAD exomes 0.00001.
gnomAD v4.1: 7 of 1,613,172 alleles (0.00043%); highest among the groups gnomAD compares: Non-Finnish European, 0.00051%; no homozygotes.

Submissions (2):

Blueprint Genetics
Classification: Uncertain significance. Last evaluated: 2024-06-28. Review status: criteria provided, single submitter. Criteria: ACMG Guidelines, 2015. Collection method: clinical testing. Allele origin: germline.

Labcorp Genetics (formerly Invitae), Labcorp
Classification: Uncertain significance for Immunodeficiency due to CD25 deficiency. Last evaluated: 2022-12-31. Review status: criteria provided, single submitter. Criteria: Invitae Variant Classification Sherloc (09022015). Collection method: clinical testing. Allele origin: germline.
Comment: This variant has not been reported in the literature in individuals affected with IL2RA-related conditions. This variant is present in population databases (no rsID available, gnomAD 0.01%). This sequence change replaces proline, which is neutral and non-polar, with leucine, which is neutral and non-polar, at codon 28 of the IL2RA protein (p.Pro28Leu). Advanced modeling of protein sequence and biophysical properties (such as structural, functional, and spatial information, amino acid conservation, physicochemical variation, residue mobility, and thermodynamic stability) performed at Invitae indicates that this missense variant is not expected to disrupt IL2RA protein function. In summary, the available evidence is currently insufficient to determine the role of this variant in disease. Therefore, it has been classified as a Variant of Uncertain Significance.